The following is an entry in ClinVar:

ClinVar aggregate classification (germline): Uncertain significance (1 of 4 stars; one submission).

Submission:

GeneDx
Classification: Uncertain significance. Last evaluated: 2026-02-01. Review status: criteria provided, single submitter. Criteria: GeneDx Variant Classification Process June 2021. Collection method: clinical testing. Allele origin: germline. Affected: yes.
Comment: Not observed at significant frequency in large population cohorts (gnomAD); In silico analysis supports a deleterious effect on splicing; In silico analysis suggests that this missense variant does not alter protein structure/function; Has not been previously published as pathogenic or benign to our knowledge

NM_001273.5(CHD4):c.4933G>A (p.Glu1645Lys)

Genes: CHD4 (chromodomain helicase DNA binding protein 4; minus strand), CHD4-AS1 (CHD4 antisense RNA 1; plus strand). Cytogenetic location: 12p13.31.
Variant type: single nucleotide variant.
Coding change: c.4933G>A on transcript NM_001273.5 (MANE Select); coding-DNA position 4933, G replaced by A.
Protein change: p.Glu1645Lys; replaces glutamic acid 1645 with lysine.
Molecular consequence: missense variant.
Genome position (GRCh38, 1-based): chr12:6,578,894, C>T on the plus strand (G>A on the coding strand, the complement: CHD4 is on the minus strand). VCF-style: chr12-6578894-C-T. GRCh37 (hg19) VCF-style: chr12-6688060-C-T.
Other names: c.4912G>A, p.Glu1638Lys (NM_001297553.2); c.4900G>A, p.Glu1634Lys (NM_001363606.2); short protein forms E1634K, E1638K, E1645K.
Identifiers: ClinVar variation 1311219 (VCV001311219.3), dbSNP rs916782498, ClinGen allele CA383568264.